The following is an entry in ClinVar:

ClinVar aggregate classification (germline): Uncertain significance. Review status: criteria provided, multiple submitters, no conflicts (2 of 4 stars). 2 submissions from 2 submitters: Uncertain significance (2). Last evaluated 2025-08-23.

Conditions:
Usher syndrome type 3B. Also called: USHER SYNDROME, TYPE IIIB. Identifiers: MedGen C3281066, MONDO:0013788, OMIM 614504.

Allele frequency attached by ClinVar (database versions not stated): gnomAD 0.00001; TOPMed 0.00002.
gnomAD v4.1: 7 of 1,613,334 alleles (0.00043%); highest among the groups gnomAD compares: Admixed American, 0.0017%; no homozygotes.

Submissions (2):

Labcorp Genetics (formerly Invitae), Labcorp
Classification: Uncertain significance for Usher syndrome type 3B. Last evaluated: 2025-08-23. Review status: criteria provided, single submitter. Criteria: Invitae Variant Classification Sherloc (09022015). Collection method: clinical testing. Allele origin: germline.
Comment: This sequence change replaces leucine, which is neutral and non-polar, with arginine, which is basic and polar, at codon 99 of the HARS protein (p.Leu99Arg). This variant is not present in population databases (gnomAD no frequency). This variant has not been reported in the literature in individuals affected with HARS-related conditions. ClinVar contains an entry for this variant (Variation ID: 846902). Invitae Evidence Modeling of protein sequence and biophysical properties (such as structural, functional, and spatial information, amino acid conservation, physicochemical variation, residue mobility, and thermodynamic stability) indicates that this missense variant is not expected to disrupt HARS protein function with a negative predictive value of 80%. In summary, the available evidence is currently insufficient to determine the role of this variant in disease. Therefore, it has been classified as a Variant of Uncertain Significance.

GeneDx
Classification: Uncertain significance. Last evaluated: 2023-03-27. Review status: criteria provided, single submitter. Criteria: GeneDx Variant Classification Process June 2021. Collection method: clinical testing. Allele origin: germline. Affected: yes.
Comment: Not observed at significant frequency in large population cohorts (gnomAD); In silico analysis supports that this missense variant has a deleterious effect on protein structure/function; Has not been previously published as pathogenic or benign to our knowledge

NM_002109.6(HARS1):c.296T>G (p.Leu99Arg)

Gene: HARS1 (histidyl-tRNA synthetase 1; minus strand). Cytogenetic location: 5q31.3.
Variant type: single nucleotide variant.
Coding change: c.296T>G on transcript NM_002109.6 (MANE Select); coding-DNA position 296, T replaced by G.
Protein change: p.Leu99Arg; replaces leucine 99 with arginine.
Molecular consequence: missense variant. On other transcripts: intron variant (3).
Genome position (GRCh38, 1-based): chr5:140,683,104, A>C on the plus strand (T>G on the coding strand, the complement: HARS1 is on the minus strand). VCF-style: chr5-140683104-A-C. GRCh37 (hg19) VCF-style: chr5-140062689-A-C.
Other names: c.296T>G, p.Leu99Arg (NM_001258041.3, NM_001289092.2); c.209T>G, p.Leu70Arg (NM_001289094.2); c.181-5089T>G (NM_001289093.2); c.181-3221T>G (NM_001258042.3, NM_001258040.3); short protein forms L70R, L99R.
Identifiers: ClinVar variation 846902 (VCV000846902.10), dbSNP rs1758818266, ClinGen allele CA361258843.